The following is an entry in ClinVar:

NC_012920.1(MT-TT):m.15907A>G

Gene: MT-TT (mitochondrially encoded tRNA threonine; plus strand).
Variant type: single nucleotide variant.
Genome position: chrM-15907-A-G.
Identifiers: ClinVar variation 690226 (VCV000690226.2), dbSNP rs41383248, ClinGen allele CA337100571.

ClinVar aggregate classification (germline): Benign/Likely benign. Review status: criteria provided, multiple submitters, no conflicts (2 of 4 stars). 2 submissions from 2 submitters: Benign (1); Likely benign (1). Last evaluated 2025-02-16.

Conditions:
MELAS syndrome (MELAS). Also called: Juvenile myopathy, encephalopathy, lactic acidosis, stroke. Identifiers: Orphanet 550, MedGen C0162671, MONDO:0010789, OMIM 540000.

Submissions (2):

Laboratory of Genetics, Children's Clinical University Hospital Latvia
Classification: Likely benign. Last evaluated: 2025-02-16. Review status: criteria provided, single submitter. Criteria: ACMG Guidelines, 2015. Collection method: clinical testing. Allele origin: germline. Affected: yes.

Wong Mito Lab, Molecular and Human Genetics, Baylor College of Medicine
Classification: Benign for MELAS syndrome. Last evaluated: 2019-07-12. Review status: criteria provided, single submitter. Criteria: Modified ACMG Guidelines (Unpublished). Collection method: clinical testing. Allele origin: germline.
Comment: The NC_012920.1:m.15907A>G variant in MT-TT gene is interpreted to be a Benign variant based on the modified ACMG guidelines (unpublished). This variant meets the following evidence codes reported in the guidelines: BS1, BS2, BP4

Literature cited by the submitters: PubMed 31965079 (cited by Wong Mito Lab, Molecular and Human Genetics, Baylor College of Medicine).